The following is an entry in ClinVar:

ClinVar aggregate classification (germline): Benign (0 of 4 stars; one submission).

Conditions:
DCAF4L2-related disorder. Also called: DCAF4L2-related condition.

Allele frequency attached by ClinVar (database versions not stated): gnomAD exomes 0.00074; ExAC 0.00209; gnomAD 0.00608; TOPMed 0.00679; ESP Exome Variant Server 0.00723; 1000 Genomes Project 0.00998; 1000 Genomes Project 30x 0.01015.
gnomAD v4.1: 2,074 of 1,614,188 alleles (0.13%); highest among the groups gnomAD compares: African/African-American, 2.1%; 19 homozygotes.

Submission:

PreventionGenetics, part of Exact Sciences
Classification: Benign for DCAF4L2-related condition. Last evaluated: 2019-06-17. Review status: no assertion criteria provided. Collection method: clinical testing. Allele origin: germline.
Comment: This variant is classified as benign based on ACMG/AMP sequence variant interpretation guidelines (Richards et al. 2015 PMID: 25741868, with internal and published modifications).

NM_152418.4(DCAF4L2):c.438C>T (p.Phe146=)

Gene: DCAF4L2 (DDB1 and CUL4 associated factor 4 like 2; minus strand). Cytogenetic location: 8q21.3.
Variant type: single nucleotide variant.
Coding change: c.438C>T on transcript NM_152418.4 (MANE Select); coding-DNA position 438, C replaced by T.
Protein change: p.Phe146=; no amino-acid change (phenylalanine 146 retained).
Molecular consequence: synonymous variant.
Genome position (GRCh38, 1-based): chr8:87,873,534, G>A on the plus strand (C>T on the coding strand, the complement: DCAF4L2 is on the minus strand). VCF-style: chr8-87873534-G-A. GRCh37 (hg19) VCF-style: chr8-88885762-G-A.
Identifiers: ClinVar variation 3033177 (VCV003033177.2), dbSNP rs113061626, ClinGen allele CA4801226.